The following is an entry in ClinVar:

ClinVar aggregate classification (germline): Uncertain significance. Review status: criteria provided, multiple submitters, no conflicts (2 of 4 stars). 4 submissions from 4 submitters: Uncertain significance (4). Last evaluated 2025-05-11.

Conditions:
Cardiovascular phenotype. Identifiers: MedGen CN230736.
Cardiomyopathy (CMYO). Also called: Cardiomyopathies. Identifiers: Orphanet 167848, MedGen C0878544, MONDO:0004994, HP:0001638. Inheritance: Various modes of inheritance.
Hypertrophic cardiomyopathy. Also called: HYPERTROPHIC MYOCARDIOPATHY. Identifiers: Orphanet 217569, MedGen C0007194, MeSH D002312, MONDO:0005045, HP:0001639.

Allele frequency attached by ClinVar (database versions not stated): gnomAD exomes below 0.00001.

Submissions (4):

Labcorp Genetics (formerly Invitae), Labcorp
Classification: Uncertain significance for Hypertrophic cardiomyopathy. Last evaluated: 2025-05-11. Review status: criteria provided, single submitter. Criteria: Invitae Variant Classification Sherloc (09022015). Collection method: clinical testing. Allele origin: germline.
Comment: This sequence change replaces glutamic acid, which is acidic and polar, with lysine, which is basic and polar, at codon 1367 of the MYH7 protein (p.Glu1367Lys). This variant is not present in population databases (gnomAD no frequency). This missense change has been observed in individual(s) with hypertrophic cardiomyopathy (internal data). ClinVar contains an entry for this variant (Variation ID: 525042). Invitae Evidence Modeling of protein sequence and biophysical properties (such as structural, functional, and spatial information, amino acid conservation, physicochemical variation, residue mobility, and thermodynamic stability) indicates that this missense variant is expected to disrupt MYH7 protein function with a positive predictive value of 95%. In summary, the available evidence is currently insufficient to determine the role of this variant in disease. Therefore, it has been classified as a Variant of Uncertain Significance.

Color Diagnostics, LLC DBA Color Health
Classification: Uncertain significance for Cardiomyopathy. Last evaluated: 2024-03-06. Review status: criteria provided, single submitter. Criteria: ACMG Guidelines, 2015. Collection method: clinical testing. Allele origin: germline.
Comment: This missense variant replaces glutamic acid with lysine at codon 1367 of the MYH7 protein. Computational prediction suggests that this variant may have deleterious impact on protein structure and function (internally defined REVEL score threshold >= 0.7, PMID: 27666373). To our knowledge, functional studies have not been reported for this variant. This variant has not been reported in individuals affected with cardiovascular disorders in the literature. This variant has not been identified in the general population by the Genome Aggregation Database (gnomAD). The available evidence is insufficient to determine the role of this variant in disease conclusively. Therefore, this variant is classified as a Variant of Uncertain Significance.

Ambry Genetics
Classification: Uncertain significance for Cardiovascular phenotype. Last evaluated: 2023-05-17. Review status: criteria provided, single submitter. Criteria: Ambry Variant Classification Scheme 2023. Collection method: clinical testing. Allele origin: germline.
Comment: The p.E1367K variant (also known as c.4099G>A), located in coding exon 28 of the MYH7 gene, results from a G to A substitution at nucleotide position 4099. The glutamic acid at codon 1367 is replaced by lysine, an amino acid with similar properties. This amino acid position is highly conserved in available vertebrate species. In addition, this alteration is predicted to be deleterious by in silico analysis. Since supporting evidence is limited at this time, the clinical significance of this alteration remains unclear.

CeGaT Center for Human Genetics Tuebingen
Classification: Uncertain significance. Last evaluated: 2022-11-01. Review status: criteria provided, single submitter. Criteria: CeGaT Center For Human Genetics Tuebingen Variant Classification Criteria Version 2. Collection method: clinical testing. Allele origin: germline. Affected: yes. Observed: 1 variant allele.
Comment: MYH7: PM2, PP2, PP3

NM_000257.4(MYH7):c.4099G>A (p.Glu1367Lys)

Gene: MYH7 (myosin heavy chain 7; minus strand). Cytogenetic location: 14q11.2.
Variant type: single nucleotide variant.
Coding change: c.4099G>A on transcript NM_000257.4 (MANE Select); coding-DNA position 4099, G replaced by A.
Protein change: p.Glu1367Lys; replaces glutamic acid 1367 with lysine.
Molecular consequence: missense variant.
Genome position (GRCh38, 1-based): chr14:23,418,280, C>T on the plus strand (G>A on the coding strand, the complement: MYH7 is on the minus strand). VCF-style: chr14-23418280-C-T. GRCh37 (hg19) VCF-style: chr14-23887489-C-T.
Other names: short protein forms E1367K.
Identifiers: ClinVar variation 525042 (VCV000525042.38), dbSNP rs1555336835, ClinGen allele CA389040941.